The following is an entry in ClinVar:

ClinVar aggregate classification (germline): Pathogenic. Review status: criteria provided, multiple submitters, no conflicts (2 of 4 stars). 2 submissions from 2 submitters: Pathogenic (2). Last evaluated 2026-01-28.

Conditions:
Microcephaly 9, primary, autosomal recessive. Identifiers: Orphanet 2512, MedGen C3553886, MONDO:0013923, OMIM 614852.

Allele frequency attached by ClinVar (database versions not stated): TOPMed 0.00001; gnomAD exomes 0.00002 and 0.00005; ExAC 0.00007.

Submissions (2):

Labcorp Genetics (formerly Invitae), Labcorp
Classification: Pathogenic. Last evaluated: 2026-01-28. Review status: criteria provided, single submitter. Criteria: Invitae Variant Classification Sherloc (09022015). Collection method: clinical testing. Allele origin: germline.
Comment: This sequence change creates a premature translational stop signal (p.Thr386Profs*13) in the CEP152 gene. It is expected to result in an absent or disrupted protein product. Loss-of-function variants in CEP152 are known to be pathogenic (PMID: 21131973). This variant is present in population databases (rs587783414, gnomAD 0.04%). This variant has not been reported in the literature in individuals affected with CEP152-related conditions. ClinVar contains an entry for this variant (Variation ID: 158223). For these reasons, this variant has been classified as Pathogenic.

Genetic Services Laboratory, University of Chicago
Classification: Pathogenic for Microcephaly 9, primary, autosomal recessive. Last evaluated: 2013-04-24. Review status: criteria provided, single submitter. Criteria: ACMG Guidelines, 2007. Collection method: clinical testing. Allele origin: germline. Inheritance: Autosomal recessive inheritance. Affected: yes.

Literature cited by the submitters: PubMed 21131973 (cited by Labcorp Genetics (formerly Invitae), Labcorp).

NM_001194998.2(CEP152):c.1155del (p.Thr386fs)

Gene: CEP152 (centrosomal protein 152; minus strand). Cytogenetic location: 15q21.1.
Variant type: Deletion.
Coding change: c.1155del on transcript NM_001194998.2 (MANE Select); coding-DNA position 1155, one base deleted (C; older notation c.1155delC).
Protein change: p.Thr386fs; shifts the reading frame from threonine 386.
Molecular consequence: frameshift variant.
Genome position (GRCh38, 1-based): chr15:48,788,819, G deleted on the plus strand (C on the coding strand, the reverse complement: CEP152 is on the minus strand). VCF-style (leftmost placement, unchanged base first): chr15-48788818-TG-T. GRCh37 (hg19) VCF-style: chr15-49081015-TG-T.
Other names: c.1155del, p.Thr386fs (NM_014985.4); short protein forms T386fs.
Identifiers: ClinVar variation 158223 (VCV000158223.9), dbSNP rs587783414, ClinGen allele CA210994.